The following is an entry in ClinVar:

ClinVar aggregate classification (germline): Uncertain significance (1 of 4 stars; one submission).

Conditions:
Hypertrophic cardiomyopathy. Also called: HYPERTROPHIC MYOCARDIOPATHY. Identifiers: Orphanet 217569, MedGen C0007194, MeSH D002312, MONDO:0005045, HP:0001639.

Submission:

Labcorp Genetics (formerly Invitae), Labcorp
Classification: Uncertain significance for Hypertrophic cardiomyopathy. Last evaluated: 2019-01-28. Review status: criteria provided, single submitter. Criteria: Invitae Variant Classification Sherloc (09022015). Collection method: clinical testing. Allele origin: germline.
Comment: In summary, the available evidence is currently insufficient to determine the role of this variant in disease. Therefore, it has been classified as a Variant of Uncertain Significance. Algorithms developed to predict the effect of missense changes on protein structure and function are either unavailable or do not agree on the potential impact of this missense change (SIFT: "Deleterious"; PolyPhen-2: "Probably Damaging"; Align-GVGD: "Class C15"). This variant has not been reported in the literature in individuals with MYH7-related conditions. This variant is not present in population databases (ExAC no frequency). This sequence change replaces glycine with arginine at codon 178 of the MYH7 protein (p.Gly178Arg). The glycine residue is highly conserved and there is a moderate physicochemical difference between glycine and arginine.

NM_000257.4(MYH7):c.532G>C (p.Gly178Arg)

Gene: MYH7 (myosin heavy chain 7; minus strand). Cytogenetic location: 14q11.2.
Variant type: single nucleotide variant.
Coding change: c.532G>C on transcript NM_000257.4 (MANE Select); coding-DNA position 532, G replaced by C.
Protein change: p.Gly178Arg; replaces glycine 178 with arginine.
Molecular consequence: missense variant.
Genome position (GRCh38, 1-based): chr14:23,431,868, C>G on the plus strand (G>C on the coding strand, the complement: MYH7 is on the minus strand). VCF-style: chr14-23431868-C-G. GRCh37 (hg19) VCF-style: chr14-23901077-C-G.
Other names: short protein forms G178R.
Identifiers: ClinVar variation 859306 (VCV000859306.9), dbSNP rs730880156, ClinGen allele CA389052603.
Genomic context (GRCh38, chr14:23,431,868, plus strand): 5'-TAACAGCAAAGTACTGGATGACCCTCTTGGTGTTGACTGTCTTCCCTGCTCCGGATTCTC[C>G]GCTGTGAAGACAGGGGCTTATTGGGCAGTGAACAATACTACTGGAGACCAGCAAGCCTCA-3'
Protein context (NP_000248.2, residues 168-188): DRENQSILIT[Gly178Arg]ESGAGKTVNT